The following is an entry in ClinVar:

NM_001378452.1(ITPR1):c.1589G>A (p.Cys530Tyr)

Gene: ITPR1 (inositol 1,4,5-trisphosphate receptor type 1; plus strand). Cytogenetic location: 3p26.1.
Variant type: single nucleotide variant.
Coding change: c.1589G>A on transcript NM_001378452.1 (MANE Select); coding-DNA position 1589, G replaced by A.
Protein change: p.Cys530Tyr; replaces cysteine 530 with tyrosine.
Molecular consequence: missense variant.
Genome position (GRCh38, 1-based): chr3:4,665,172, G>A. VCF-style: chr3-4665172-G-A. GRCh37 (hg19) VCF-style: chr3-4706856-G-A.
Other names: c.1589G>A, p.Cys530Tyr (NM_001099952.4); c.1544G>A, p.Cys515Tyr (NM_001168272.2, NM_002222.7); short protein forms C530Y, C515Y.
Identifiers: ClinVar variation 1936065 (VCV001936065.6), dbSNP rs766035901, ClinGen allele CA351641959.

ClinVar aggregate classification (germline): Uncertain significance. Review status: criteria provided, multiple submitters, no conflicts (2 of 4 stars). 2 submissions from 2 submitters: Uncertain significance (2). Last evaluated 2023-03-23.

gnomAD v4.1: 3 of 1,614,026 alleles (0.00019%); highest among the groups gnomAD compares: Non-Finnish European, 0.00017%; no homozygotes.

Submissions (2):

Blueprint Genetics
Classification: Uncertain significance. Last evaluated: 2023-03-23. Review status: criteria provided, single submitter. Criteria: ACMG Guidelines, 2015. Collection method: clinical testing. Allele origin: germline.

Labcorp Genetics (formerly Invitae), Labcorp
Classification: Uncertain significance. Last evaluated: 2022-05-30. Review status: criteria provided, single submitter. Criteria: Invitae Variant Classification Sherloc (09022015). Collection method: clinical testing. Allele origin: germline.
Comment: Algorithms developed to predict the effect of missense changes on protein structure and function are either unavailable or do not agree on the potential impact of this missense change (SIFT: "Deleterious"; PolyPhen-2: "Benign"; Align-GVGD: "Class C0"). In summary, the available evidence is currently insufficient to determine the role of this variant in disease. Therefore, it has been classified as a Variant of Uncertain Significance. This variant has not been reported in the literature in individuals affected with ITPR1-related conditions. This variant is not present in population databases (gnomAD no frequency). This sequence change replaces cysteine, which is neutral and slightly polar, with tyrosine, which is neutral and polar, at codon 515 of the ITPR1 protein (p.Cys515Tyr).